The following is an entry in ClinVar:

NM_016219.5(MAN1B1):c.130C>T (p.Pro44Ser)

Genes: MAN1B1 (mannosidase alpha class 1B member 1; plus strand), LOC130003078 (ATAC-STARR-seq lymphoblastoid active region 29343; plus strand), LOC130003079 (ATAC-STARR-seq lymphoblastoid silent region 20579; plus strand). Cytogenetic location: 9q34.3.
Variant type: single nucleotide variant.
Coding change: c.130C>T on transcript NM_016219.5 (MANE Select); coding-DNA position 130, C replaced by T.
Protein change: p.Pro44Ser; replaces proline 44 with serine.
Molecular consequence: missense variant. On other transcripts: non-coding transcript variant (2).
Genome position (GRCh38, 1-based): chr9:137,087,129, C>T. VCF-style: chr9-137087129-C-T. GRCh37 (hg19) VCF-style: chr9-139981581-C-T.
Other names: short protein forms P44S.
Identifiers: ClinVar variation 588316 (VCV000588316.5), dbSNP rs1286454662, ClinGen allele CA375671338.

ClinVar aggregate classification (germline): Uncertain significance (1 of 4 stars; one submission).

Conditions:
Inborn genetic diseases. Identifiers: MedGen C0950123, MeSH D030342.

Allele frequency attached by ClinVar (database versions not stated): TOPMed 0.00001; gnomAD 0.00001.

Submission:

Ambry Genetics
Classification: Uncertain significance for Inborn genetic diseases. Last evaluated: 2016-10-07. Review status: criteria provided, single submitter. Criteria: Ambry Variant Classification Scheme 2023. Collection method: clinical testing. Allele origin: germline.
Comment: The p.P44S variant (also known as c.130C>T), located in coding exon 1 of the MAN1B1 gene, results from a C to T substitution at nucleotide position 130. The proline at codon 44 is replaced by serine, an amino acid with similar properties. This variant was not reported in population based cohorts in the following databases: Database of Single Nucleotide Polymorphisms (dbSNP), NHLBI Exome Sequencing Project (ESP), and 1000 Genomes Project. In the ESP, this variant was not observed in 6349 samples (12698 alleles) with coverage at this position. This amino acid position is not well conserved in available vertebrate species. In addition, this alteration is predicted to be tolerated by in silico analysis. Since supporting evidence is limited at this time, the clinical significance of this alteration remains unclear.